The following is an entry in ClinVar:

NM_000143.4(FH):c.703C>T (p.His235Tyr)

Gene: FH (fumarate hydratase; minus strand). Cytogenetic location: 1q43.
Variant type: single nucleotide variant.
Coding change: c.703C>T on transcript NM_000143.4 (MANE Select); coding-DNA position 703, C replaced by T.
Protein change: p.His235Tyr; replaces histidine 235 with tyrosine.
Molecular consequence: missense variant.
Genome position (GRCh38, 1-based): chr1:241,508,638, G>A on the plus strand (C>T on the coding strand, the complement: FH is on the minus strand). VCF-style: chr1-241508638-G-A. GRCh37 (hg19) VCF-style: chr1-241671938-G-A.
Other names: p.H235Y:CAT>TAT; short protein forms H235Y.
Identifiers: ClinVar variation 214376 (VCV000214376.12), dbSNP rs863223968, ClinGen allele CA323994.

ClinVar aggregate classification (germline): Pathogenic/Likely pathogenic. Review status: criteria provided, multiple submitters, no conflicts (2 of 4 stars). 5 submissions from 5 submitters: Pathogenic (2); Likely pathogenic (3). Last evaluated 2025-10-26.

Conditions:
Hereditary cancer-predisposing syndrome. Also called: Hereditary neoplastic syndrome; Neoplastic Syndromes, Hereditary; Tumor predisposition; Hereditary Cancer Syndrome. Identifiers: Orphanet 140162, MedGen C0027672, MeSH D009386, MONDO:0015356.

Allele frequency attached by ClinVar (database versions not stated): gnomAD exomes below 0.00001.
gnomAD v4.1: 1 of 1,613,856 alleles (0.000062%); no homozygotes.

Submissions (5):

Labcorp Genetics (formerly Invitae), Labcorp
Classification: Pathogenic. Last evaluated: 2025-10-26. Review status: criteria provided, single submitter. Criteria: Invitae Variant Classification Sherloc (09022015). Collection method: clinical testing. Allele origin: germline.
Comment: This sequence change replaces histidine, which is basic and polar, with tyrosine, which is neutral and polar, at codon 235 of the FH protein (p.His235Tyr). This variant is present in population databases (no rsID available, gnomAD no frequency). This missense change has been observed in individual(s) with FH-related conditions (PMID: 23203078). It has also been observed to segregate with disease in related individuals. This variant is also known as p.His192Tyr. ClinVar contains an entry for this variant (Variation ID: 214376). Invitae Evidence Modeling of protein sequence and biophysical properties (such as structural, functional, and spatial information, amino acid conservation, physicochemical variation, residue mobility, and thermodynamic stability) indicates that this missense variant is expected to disrupt FH protein function with a positive predictive value of 95%. This variant disrupts the p.His235 amino acid residue in FH. Other variant(s) that disrupt this residue have been determined to be pathogenic (internal data). This suggests that this residue is clinically significant, and that variants that disrupt this residue are likely to be disease-causing. For these reasons, this variant has been classified as Pathogenic.

Ambry Genetics
Classification: Pathogenic for Hereditary cancer-predisposing syndrome. Last evaluated: 2024-09-16. Review status: criteria provided, single submitter. Criteria: Ambry Variant Classification Scheme 2023. Collection method: clinical testing. Allele origin: germline.
Comment: The p.H235Y pathogenic mutation (also known as c.703C>T), located in coding exon 5 of the FH gene, results from a C to T substitution at nucleotide position 703. The histidine at codon 235 is replaced by tyrosine, an amino acid with similar properties. This alteration, designated as C574T (H192Y), has been reported to segregate with disease in a Japanese family with hereditary leiomyomatosis and renal cell cancer (HLRCC) (Kamai T et al. Int J Mol Sci, 2012 Nov;13:14518-32). Another alteration at this same position, c.704A>G (p.H235R), has been reported in two families with clinical diagnoses of HLRCC and functional analyses demonstrating reduced FH activity (Gardie B et al. J. Med. Genet. 2011 Apr;48(4):226-34; Muller M et al. Clin. Genet., 2017 Dec;92:606-615). This amino acid position is highly conserved in available vertebrate species. In addition, this alteration is predicted to be deleterious by in silico analysis. Based on the available evidence, this alteration is classified as a pathogenic mutation.

Quest Diagnostics Nichols Institute San Juan Capistrano
Classification: Likely pathogenic. Last evaluated: 2023-03-08. Review status: criteria provided, single submitter. Criteria: Quest Diagnostics criteria. Collection method: clinical testing. Allele origin: unknown.
Comment: The frequency of this variant in the general population, 0.000004 (1/251270 chromosomes), is consistent with pathogenicity. In the published literature, the variant has been reported in an affected family with hereditary leiomyomatosis and renal cell cancer (PMIDs: 23203078 (2012) and 26983443 (2016)). In addition, a different variant at the same codon, c.704A>G (p.His235Arg), has been reported in individuals with HLRCC and shown to have reduced FH enzyme activity (PMID: 28300276 (2017)). Analysis of this variant using bioinformatics tools for the prediction of the effect of amino acid changes on protein structure and function yielded predictions that this variant is damaging. Based on the available information, this variant is classified as likely pathogenic.

Sema4
Classification: Likely pathogenic for Hereditary cancer-predisposing syndrome. Last evaluated: 2021-05-01. Review status: criteria provided, single submitter. Criteria: Sema4 Curation Guidelines. Collection method: curation. Allele origin: germline.
Comment: The FH c.703C>T (p.H235Y) variant has been reported in heterozygosity in a large family meeting criteria for Hereditary Leiomyomatosis Renal Cell Carcinoma Syndrome (PMID: 23203078, 26983443). This variant was found to segregate with the phenotype across 11 individuals in this family (PMID: 26983443). It is also known as c.574C>T, p.H192Y in the literature. This variant was observed in 1/18394 chromosomes in the East Asian population according to the Genome Aggregation Database (PMID: 32461654). This variant has been reported in ClinVar (Variation ID: 214376). In silico tools suggest the impact of the variant on protein function is deleterious, though these predictions have not been confirmed by functional studies. Based on the current evidence available, this variant is interpreted as likely pathogenic.

GeneDx
Classification: Likely pathogenic. Last evaluated: 2016-09-28. Review status: criteria provided, single submitter. Criteria: GeneDx Variant Classification (06012015). Collection method: clinical testing. Allele origin: germline. Affected: yes.
Comment: The H235Y variant in the FH gene has previously been reported to segregate with disease in at least one family with hereditary leiomyomatosis and renal cell cancer (HLRCC) (Kamai et al., 2012). The H235Y variant was not observed in approximately 6,500 individuals of European and African American ancestry in the NHLBI Exome Sequencing Project, indicating it is not a common benign variant in these populations. The H235Y variant is a non-conservative amino acid substitution, which is likely to impact secondary protein structure as these residues differ in polarity, charge, size and/or other properties. This substitution occurs at a position that is conserved across species, and in silico analysis predicts this variant is probably damaging to the protein structure/function. Missense variants at the same residue (H235R, H235D), as well as variants in nearby residues (K230R, R233C, R233L, R233H) have been reported in the Human Gene Mutation Database in association with FH-related disorders (Stenson et al., 2014), supporting the functional importance of this region of the protein. Based on currently available evidence, H235Y is a strong candidate for a pathogenic variant. However, the possibility it is a rare benign variant cannot be excluded.

Literature cited by the submitters: PubMed 23203078 (cited by 4 submitters); PubMed 26983443 (cited by Quest Diagnostics Nichols Institute San Juan Capistrano and Sema4); PubMed 28300276 (cited by Quest Diagnostics Nichols Institute San Juan Capistrano).